The following is an entry in ClinVar:

NM_001134407.3(GRIN2A):c.3343G>A (p.Asp1115Asn)

Gene: GRIN2A (glutamate ionotropic receptor NMDA type subunit 2A; minus strand). Cytogenetic location: 16p13.2.
Variant type: single nucleotide variant.
Coding change: c.3343G>A on transcript NM_001134407.3 (MANE Select); coding-DNA position 3343, G replaced by A.
Protein change: p.Asp1115Asn; replaces aspartic acid 1115 with asparagine.
Molecular consequence: missense variant.
Genome position (GRCh38, 1-based): chr16:9,764,201, C>T on the plus strand (G>A on the coding strand, the complement: GRIN2A is on the minus strand). VCF-style: chr16-9764201-C-T. GRCh37 (hg19) VCF-style: chr16-9858058-C-T.
Other names: c.3343G>A, p.Asp1115Asn (NM_000833.5, NM_001134408.2); short protein forms D1115N.
Identifiers: ClinVar variation 4530528 (VCV004530528.1).

ClinVar aggregate classification (somatic clinical impact): Tier II - Potential (1 of 4 stars; one submission).

Conditions:
Melanoma. Identifiers: MedGen C0025202, MeSH D008545, MONDO:0005105, HP:0002861.

Submission:

Institute for Genomic Medicine (IGM) Clinical Laboratory, Nationwide Children's Hospital
Classification: Tier II - Potential for Melanoma. Assertion type: diagnostic. Clinical significance: supports diagnosis. Last evaluated: 2024-10-18. Review status: criteria provided, single submitter. Criteria: AMP/ASCO/CAP Guidelines, 2017. Collection method: clinical testing. Allele origin: somatic. Affected: yes.
Comment: Variant has Tier II (potential) clinical significance as a diagnostic inclusion criterion in melanoma, based on the following evidence: 1) Assists in diagnosis alone or along with other biomarkers based on small studies or few case reports (Evidence Level D; PMIDs: 25268584, 28097802, 21499247, 28356599).

Literature cited by the submitters: PubMed 25268584; PubMed 28097802; PubMed 21499247; PubMed 28356599.